The following is an entry in ClinVar:

ClinVar aggregate classification (germline): Benign. Review status: criteria provided, multiple submitters, no conflicts (2 of 4 stars). 2 submissions from 2 submitters: Benign (2). Last evaluated 2022-09-29.

Conditions:
Vitamin K-dependent clotting factors, combined deficiency of, type 2. Identifiers: Orphanet 98434, MedGen C1843832, MONDO:0011837, OMIM 607473.

Allele frequency attached by ClinVar (database versions not stated): TOPMed 0.00795; ESP Exome Variant Server 0.00819; 1000 Genomes Project 0.00859; 1000 Genomes Project 30x 0.00874; ExAC 0.01766.
gnomAD v4.1: 19,214 of 1,608,310 alleles (1.2%); highest among the groups gnomAD compares: Admixed American, 1.6%; 230 homozygotes.

Submissions (2):

Mayo Clinic Laboratories, Mayo Clinic
Classification: Benign. Last evaluated: 2022-09-29. Review status: criteria provided, single submitter. Criteria: ACMG Guidelines, 2015. Collection method: clinical testing. Allele origin: germline. Observed: 1 variant allele.

Illumina Laboratory Services, Illumina
Classification: Benign for Vitamin K-dependent clotting factors, combined deficiency of, type 2. Last evaluated: 2018-01-13. Review status: criteria provided, single submitter. Criteria: ICSL Variant Classification Criteria 13 December 2019. Collection method: clinical testing. Allele origin: germline.
Comment: This variant was observed in the ICSL laboratory as part of a predisposition screen in an ostensibly healthy population. It had not been previously curated by ICSL or reported in the Human Gene Mutation Database (HGMD: prior to June 1st, 2018), and was therefore a candidate for classification through an automated scoring system. Utilizing variant allele frequency, disease prevalence and penetrance estimates, and inheritance mode, an automated score was calculated to assess if this variant is too frequent to cause the disease. Based on the score and internal cut-off values, a variant classified as benign is not then subjected to further curation. The score for this variant resulted in a classification of benign for this disease.

NM_024006.6(VKORC1):c.36G>A (p.Arg12=)

Gene: VKORC1 (vitamin K epoxide reductase complex subunit 1; minus strand). Cytogenetic location: 16p11.2.
Variant type: single nucleotide variant.
Coding change: c.36G>A on transcript NM_024006.6 (MANE Select); coding-DNA position 36, G replaced by A.
Protein change: p.Arg12=; no amino-acid change (arginine 12 retained).
Molecular consequence: synonymous variant.
Genome position (GRCh38, 1-based): chr16:31,094,694, C>T on the plus strand (G>A on the coding strand, the complement: VKORC1 is on the minus strand). VCF-style: chr16-31094694-C-T. GRCh37 (hg19) VCF-style: chr16-31106015-C-T.
Other names: p.Arg12=; c.36G>A, p.Arg12= (NM_001311311.2, NM_206824.3).
Identifiers: ClinVar variation 318977 (VCV000318977.6), dbSNP rs55894764, ClinGen allele CA8021313.
Genomic context (GRCh38, chr16:31,094,694, plus strand): 5'-CGCCGCCTTCACGTGCAGCGCGTAGAGCGAGAGCACTAAGCCCGTCAGGCAAAGAGCGAG[C>T]CGCACCCAGCCAGGGCTCCCCCAGGTGCTGCCCATTATCTCCAGGTTCCGCCCGAGGCGC-3'
Protein context (NP_076869.1, residues 2-22): GSTWGSPGWV[Arg12=]LALCLTGLVL